The following is an entry in ClinVar:

NM_001148.6(ANK2):c.1711G>A (p.Ala571Thr)

Gene: ANK2 (ankyrin 2; plus strand). Cytogenetic location: 4q26.
Variant type: single nucleotide variant.
Coding change: c.1711G>A on transcript NM_001148.6 (MANE Select); coding-DNA position 1711, G replaced by A.
Protein change: p.Ala571Thr; replaces alanine 571 with threonine.
Molecular consequence: missense variant.
Genome position (GRCh38, 1-based): chr4:113,277,864, G>A. VCF-style: chr4-113277864-G-A. GRCh37 (hg19) VCF-style: chr4-114199020-G-A.
Other names: c.1648G>A, p.Ala550Thr (NM_001127493.3, NM_001354239.2, NM_001354243.2 and 14 more transcripts); c.1711G>A, p.Ala571Thr (NM_001354225.2, NM_001354228.2, NM_001354232.2 and 8 more transcripts); c.1756G>A, p.Ala586Thr (NM_001354230.2, NM_001354231.2, NM_001354237.2 and 5 more transcripts); c.1624G>A, p.Ala542Thr (NM_001354249.2, NM_001354271.2, NM_001354274.2 and 13 more transcripts); c.1513G>A, p.Ala505Thr (NM_001354273.2); c.1426G>A, p.Ala476Thr (NM_001354277.2, NM_001386157.1, NM_001386158.1); c.1669G>A, p.Ala557Thr (NM_001386160.1, NM_001354261.2, NM_001386147.1); c.1762G>A, p.Ala588Thr (NM_001386174.1); and 4 more; short protein forms A476T, A501T, A505T, A542T, A550T, A557T, A559T, A567T.
Identifiers: ClinVar variation 4858202 (VCV004858202.1).

ClinVar aggregate classification (germline): Uncertain significance (1 of 4 stars; one submission).

Conditions:
Cardiovascular phenotype. Identifiers: MedGen CN230736.

Submission:

Ambry Genetics
Classification: Uncertain significance for Cardiovascular phenotype. Last evaluated: 2026-04-27. Review status: criteria provided, single submitter. Criteria: Ambry Variant Classification Scheme 2023. Collection method: clinical testing. Allele origin: germline.
Comment: The p.A571T variant (also known as c.1711G>A), located in coding exon 16 of the ANK2 gene, results from a G to A substitution at nucleotide position 1711. The alanine at codon 571 is replaced by threonine, an amino acid with similar properties. This amino acid position is conserved. In addition, the in silico prediction for this alteration is inconclusive. Based on the available evidence, the clinical significance of this variant remains unclear.